The following is an entry in ClinVar:

ClinVar aggregate classification (germline): Uncertain significance. Review status: criteria provided, multiple submitters, no conflicts (2 of 4 stars). 2 submissions from 2 submitters: Uncertain significance (2). Last evaluated 2022-12-30.

Allele frequency attached by ClinVar (database versions not stated): gnomAD exomes below 0.00001.
gnomAD v4.1: 1 of 1,211,878 alleles (0.000083%); highest among the groups gnomAD compares: East Asian, 0.003%; no homozygotes.

Submissions (2):

Labcorp Genetics (formerly Invitae), Labcorp
Classification: Uncertain significance. Last evaluated: 2022-12-30. Review status: criteria provided, single submitter. Criteria: Invitae Variant Classification Sherloc (09022015). Collection method: clinical testing. Allele origin: germline.
Comment: In summary, the available evidence is currently insufficient to determine the role of this variant in disease. Therefore, it has been classified as a Variant of Uncertain Significance. Advanced modeling of protein sequence and biophysical properties (such as structural, functional, and spatial information, amino acid conservation, physicochemical variation, residue mobility, and thermodynamic stability) performed at Invitae indicates that this missense variant is not expected to disrupt CACNA1F protein function. This variant has not been reported in the literature in individuals affected with CACNA1F-related conditions. This variant is not present in population databases (gnomAD no frequency). This sequence change replaces phenylalanine, which is neutral and non-polar, with leucine, which is neutral and non-polar, at codon 317 of the CACNA1F protein (p.Phe317Leu).

Blueprint Genetics
Classification: Uncertain significance. Last evaluated: 2020-12-30. Review status: criteria provided, single submitter. Criteria: ACMG Guidelines, 2015. Collection method: clinical testing. Allele origin: germline.

NM_001256789.3(CACNA1F):c.951C>A (p.Phe317Leu)

Gene: CACNA1F (calcium voltage-gated channel subunit alpha1 F; minus strand). Cytogenetic location: Xp11.23.
Variant type: single nucleotide variant.
Coding change: c.951C>A on transcript NM_001256789.3 (MANE Select); coding-DNA position 951, C replaced by A.
Protein change: p.Phe317Leu; replaces phenylalanine 317 with leucine.
Molecular consequence: missense variant.
Genome position (GRCh38, 1-based): chrX:49,228,314, G>T on the plus strand (C>A on the coding strand, the complement: CACNA1F is on the minus strand). VCF-style: chrX-49228314-G-T. GRCh37 (hg19) VCF-style: chrX-49084776-G-T.
Other names: c.756C>A, p.Phe252Leu (NM_001256790.3); c.951C>A, p.Phe317Leu (NM_005183.4); short protein forms F252L, F317L.
Identifiers: ClinVar variation 2869500 (VCV002869500.4), dbSNP rs2065844351, ClinGen allele CA412922628.
Genomic context (GRCh38, chrX:49,228,314, plus strand): 5'-GTAGAGCACATCGGTCCAGCCTTCCATGGTGACACACTGGAAGACTGTCAGCATGGCGAA[G>T]AAGAAGTTGTCAAAGTTGGTGATGCCTCCATTGGGCCCTGGCCAGCGCCCGCGGCACTCA-3'
Protein context (NP_001243718.1, residues 307-327): NGGITNFDNF[Phe317Leu]FAMLTVFQCV